The following is an entry in ClinVar:

NM_020831.6(MRTFA):c.2578+4A>T

Gene: MRTFA (myocardin related transcription factor A; minus strand). Cytogenetic location: 22q13.1.
Variant type: single nucleotide variant.
Coding change: c.2578+4A>T on transcript NM_020831.6 (MANE Select); 4 bases into the intron after coding-DNA position 2578, A replaced by T.
Molecular consequence: intron variant. On other transcripts: missense variant (1).
Genome position (GRCh38, 1-based): chr22:40,416,982, T>A on the plus strand (A>T on the coding strand, the complement: MRTFA is on the minus strand). VCF-style: chr22-40416982-T-A. GRCh37 (hg19) VCF-style: chr22-40812986-T-A.
Other names: c.2582A>T, p.Asn861Ile (NM_001282662.3); c.2428+4A>T (NM_001282661.3); c.2383+4A>T (NM_001318139.2); c.2278+4A>T (NM_001282660.2); short protein forms N861I.
Identifiers: ClinVar variation 3660240 (VCV003660240.2).

ClinVar aggregate classification (germline): Uncertain significance (1 of 4 stars; one submission).

Submission:

Labcorp Genetics (formerly Invitae), Labcorp
Classification: Uncertain significance. Last evaluated: 2024-09-08. Review status: criteria provided, single submitter. Criteria: Invitae Variant Classification Sherloc (09022015). Collection method: clinical testing. Allele origin: germline.
Comment: This sequence change falls in intron 14 of the MKL1 gene. It does not directly change the encoded amino acid sequence of the MKL1 protein. It affects a nucleotide within the consensus splice site. This variant is not present in population databases (gnomAD no frequency). This variant has not been reported in the literature in individuals affected with MKL1-related conditions. Variants that disrupt the consensus splice site are a relatively common cause of aberrant splicing (PMID: 17576681, 9536098). Algorithms developed to predict the effect of sequence changes on RNA splicing suggest that this variant may disrupt the consensus splice site. In summary, the available evidence is currently insufficient to determine the role of this variant in disease. Therefore, it has been classified as a Variant of Uncertain Significance.

Literature cited by the submitters: PubMed 17576681; PubMed 9536098.